The following is an entry in ClinVar:

ClinVar aggregate classification (germline): Pathogenic (1 of 4 stars; one submission).

Conditions:
Hereditary hemorrhagic telangiectasia (HHT). Also called: Osler hemorrhagic telangiectasia syndrome; ORW DISEASE; Osler Weber Rendu syndrome; OSLER-RENDU-WEBER DISEASE. Identifiers: Orphanet 774, MedGen C0039445, MONDO:0019180. Disease mechanism: loss of function.

Submission:

Labcorp Genetics (formerly Invitae), Labcorp
Classification: Pathogenic for Hereditary hemorrhagic telangiectasia. Last evaluated: 2019-11-20. Review status: criteria provided, single submitter. Criteria: Invitae Variant Classification Sherloc (09022015). Collection method: clinical testing. Allele origin: germline.
Comment: This sequence change creates a premature translational stop signal (p.Val426Ilefs*75) in the ENG gene. It is expected to result in an absent or disrupted protein product. This variant is not present in population databases (ExAC no frequency). This variant has not been reported in the literature in individuals with ENG-related conditions. Loss-of-function variants in ENG are known to be pathogenic (PMID: 15879500, 20656886, 22385575). For these reasons, this variant has been classified as Pathogenic.

NM_001114753.3(ENG):c.1276_1279delinsATAAA (p.Val426fs)

Genes: ENG (endoglin; minus strand), LOC102723566 (uncharacterized LOC102723566; plus strand). Cytogenetic location: 9q34.11.
Variant type: Indel.
Coding change: c.1276_1279delinsATAAA on transcript NM_001114753.3 (MANE Select); coding-DNA positions 1276 to 1279, GTGG replaced by ATAAA.
Protein change: p.Val426fs; shifts the reading frame from valine 426.
Molecular consequence: frameshift variant.
Genome position (GRCh38, 1-based): chr9:127,819,654-127,819,657, CCAC replaced by TTTAT on the plus strand (GTGG replaced by ATAAA on the coding strand, the reverse complement: ENG is on the minus strand). VCF-style: chr9-127819654-CCAC-TTTAT. GRCh37 (hg19) VCF-style: chr9-130581933-CCAC-TTTAT.
Other names: c.1276_1279delGTGGinsATAAA, p.Val426Ilefs (NM_000118.4); c.730_733delinsATAAA, p.Val244fs (NM_001278138.2); short protein forms V244fs, V426fs.
Identifiers: ClinVar variation 970600 (VCV000970600.3), dbSNP rs1830425406, ClinGen allele CA1139659936.